The following is an entry in ClinVar:

NM_002772.3(TMPRSS15):c.2827C>T (p.Gln943Ter)

Gene: TMPRSS15 (transmembrane serine protease 15; minus strand). Cytogenetic location: 21q21.1.
Variant type: single nucleotide variant.
Coding change: c.2827C>T on transcript NM_002772.3 (MANE Select); coding-DNA position 2827, C replaced by T.
Protein change: p.Gln943Ter; replaces glutamine 943 with a stop codon.
Molecular consequence: nonsense.
Genome position (GRCh38, 1-based): chr21:18,275,274, G>A on the plus strand (C>T on the coding strand, the complement: TMPRSS15 is on the minus strand). VCF-style: chr21-18275274-G-A. GRCh37 (hg19) VCF-style: chr21-19647591-G-A.
Other names: short protein forms Q943*.
Identifiers: ClinVar variation 2420761 (VCV002420761.6), dbSNP rs780237847, ClinGen allele CA9983882.

ClinVar aggregate classification (germline): Pathogenic (1 of 4 stars; one submission).

Allele frequency attached by ClinVar (database versions not stated): gnomAD 0.00001; TOPMed 0.00003.
gnomAD v4.1: 44 of 1,613,906 alleles (0.0027%); highest among the groups gnomAD compares: Non-Finnish European, 0.0035%; no homozygotes.

Submission:

Labcorp Genetics (formerly Invitae), Labcorp
Classification: Pathogenic. Last evaluated: 2025-11-28. Review status: criteria provided, single submitter. Criteria: Invitae Variant Classification Sherloc (09022015). Collection method: clinical testing. Allele origin: germline.
Comment: This sequence change creates a premature translational stop signal (p.Gln943*) in the TMPRSS15 gene. It is expected to result in an absent or disrupted protein product. Loss-of-function variants in TMPRSS15 are known to be pathogenic (PMID: 11719902). This variant is present in population databases (rs780237847, gnomAD 0.002%). This variant has not been reported in the literature in individuals affected with TMPRSS15-related conditions. ClinVar contains an entry for this variant (Variation ID: 2420761). Algorithms developed to predict the effect of sequence changes on RNA splicing suggest that this variant may disrupt the consensus splice site. For these reasons, this variant has been classified as Pathogenic.

Literature cited by the submitters: PubMed 11719902.